The following is an entry in ClinVar:

ClinVar aggregate classification (germline): Uncertain significance. Review status: criteria provided, multiple submitters, no conflicts (2 of 4 stars). 2 submissions from 2 submitters: Uncertain significance (2). Last evaluated 2024-06-03.

Conditions:
Schaaf-Yang syndrome (SHFYNG). Also called: MAGEL2-related Prader-Willi-like syndrome; Arthrogryposis, distal, with hypopituitarism, intellectual disability, and facial anomalies. Identifiers: Orphanet 398069, MedGen C5575066, MONDO:0014243, OMIM 615547.

Allele frequency attached by ClinVar (database versions not stated): gnomAD exomes below 0.00001.
gnomAD v4.1: 1 of 1,372,880 alleles (0.000073%); highest among the groups gnomAD compares: East Asian, 0.003%; no homozygotes.

Submissions (2):

Labcorp Genetics (formerly Invitae), Labcorp
Classification: Uncertain significance. Last evaluated: 2024-06-03. Review status: criteria provided, single submitter. Criteria: Invitae Variant Classification Sherloc (09022015). Collection method: clinical testing. Allele origin: germline.
Comment: This sequence change replaces alanine, which is neutral and non-polar, with valine, which is neutral and non-polar, at codon 482 of the MAGEL2 protein (p.Ala482Val). This variant is not present in population databases (gnomAD no frequency). This variant has not been reported in the literature in individuals affected with MAGEL2-related conditions. ClinVar contains an entry for this variant (Variation ID: 1701757). Algorithms developed to predict the effect of missense changes on protein structure and function output the following: SIFT: "Not Available"; PolyPhen-2: "Not Available"; Align-GVGD: "Not Available". The valine amino acid residue is found in multiple mammalian species, which suggests that this missense change does not adversely affect protein function. In summary, the available evidence is currently insufficient to determine the role of this variant in disease. Therefore, it has been classified as a Variant of Uncertain Significance.

New York Genome Center
Classification: Uncertain significance for Schaaf-Yang syndrome. Last evaluated: 2021-08-27. Review status: criteria provided, single submitter. Criteria: NYGC Assertion Criteria 2020. Collection method: clinical testing. Allele origin: inherited. Observed: 1 heterozygote. Study: CSER-NYCKidSeq.

NM_019066.5(MAGEL2):c.1445C>T (p.Ala482Val)

Gene: MAGEL2 (MAGE family member L2; minus strand). Cytogenetic location: 15q11.2.
Variant type: single nucleotide variant.
Coding change: c.1445C>T on transcript NM_019066.5 (MANE Select); coding-DNA position 1445, C replaced by T.
Protein change: p.Ala482Val; replaces alanine 482 with valine.
Molecular consequence: missense variant.
Genome position (GRCh38, 1-based): chr15:23,646,298, G>A on the plus strand (C>T on the coding strand, the complement: MAGEL2 is on the minus strand). VCF-style: chr15-23646298-G-A. GRCh37 (hg19) VCF-style: chr15-23891445-G-A.
Other names: short protein forms A482V.
Identifiers: ClinVar variation 1701757 (VCV001701757.4), dbSNP rs2140716042, ClinGen allele CA391334027.